The following is an entry in ClinVar:

NM_138440.3(VASN):c.889C>T (p.Arg297Cys)

Genes: CORO7 (coronin 7; minus strand), CORO7-PAM16 (CORO7-PAM16 readthrough; minus strand), VASN (vasorin; plus strand). Cytogenetic location: 16p13.3.
Variant type: single nucleotide variant.
Coding change: c.889C>T on transcript NM_138440.3 (MANE Select); coding-DNA position 889, C replaced by T.
Protein change: p.Arg297Cys; replaces arginine 297 with cysteine.
Molecular consequence: missense variant. On other transcripts: intron variant (5).
Genome position (GRCh38, 1-based): chr16:4,381,766, C>T. VCF-style: chr16-4381766-C-T. GRCh37 (hg19) VCF-style: chr16-4431767-C-T.
Other names: c.785+6220G>A (NM_001201479.2, NM_024535.5); c.530+6220G>A (NM_001201473.2); c.731+6220G>A (NM_001201472.2); c.125+6220G>A (NM_001351729.2); short protein forms R297C.
Identifiers: ClinVar variation 4871957 (VCV004871957.2).

ClinVar aggregate classification (germline): Likely benign (1 of 4 stars; one submission).

gnomAD v4.1: 6,774 of 1,601,988 alleles (0.42%); highest among the groups gnomAD compares: Non-Finnish European, 0.49%; 13 homozygotes.

Submission:

CeGaT Center for Human Genetics Tuebingen
Classification: Likely benign. Last evaluated: 2026-04-01. Review status: criteria provided, single submitter. Criteria: CeGaT Center For Human Genetics Tuebingen Variant Classification Criteria Version 2. Collection method: clinical testing. Allele origin: germline. Affected: yes. Observed: 1 variant allele.
Comment: VASN: PP3, BS2